The following is an entry in ClinVar:

NM_017617.5(NOTCH1):c.6082+10C>T

Genes: NOTCH1 (notch receptor 1; minus strand), LOC126860794 (BRD4-independent group 4 enhancer GRCh37_chr9:139392592-139393791; plus strand). Cytogenetic location: 9q34.3.
Variant type: single nucleotide variant.
Coding change: c.6082+10C>T on transcript NM_017617.5 (MANE Select); 10 bases into the intron after coding-DNA position 6082, C replaced by T.
Molecular consequence: intron variant.
Genome position (GRCh38, 1-based): chr9:136,499,102, G>A on the plus strand (C>T on the coding strand, the complement: NOTCH1 is on the minus strand). VCF-style: chr9-136499102-G-A. GRCh37 (hg19) VCF-style: chr9-139393554-G-A.
Other names: c.6082+10C>T (NM_017617.4, LRG_1122t1).
Identifiers: ClinVar variation 508258 (VCV000508258.17), dbSNP rs114120958, ClinGen allele CA5340046.

ClinVar aggregate classification (germline): Conflicting classifications of pathogenicity. Review status: criteria provided, conflicting classifications (1 of 4 stars). 8 submissions from 7 submitters: Uncertain significance (1); Likely benign (6). 1 of the submissions does not count toward it. Last evaluated 2026-01-31.

Conditions:
Familial thoracic aortic aneurysm and aortic dissection (TAAD). Also called: Thoracic aortic aneurysms and dissections. Identifiers: Orphanet 91387, MedGen C4707243, MONDO:0019625.
Adams-Oliver syndrome 5 (AOS5). Identifiers: Orphanet 974, MedGen C4014970, MONDO:0014459, OMIM 616028.
NOTCH1-related disorder. Also called: NOTCH1-related condition; NOTCH1-related disorders.
Aortic valve disease 1 (AOVD1). Identifiers: MedGen C3887892, MONDO:0024523, OMIM 109730.

Allele frequency attached by ClinVar (database versions not stated): ExAC 0.00008; ESP Exome Variant Server 0.00008; gnomAD exomes 0.00009 and 0.00010; TOPMed 0.00016; gnomAD 0.00018 and 0.00019; 1000 Genomes Project 30x 0.00031; 1000 Genomes Project 0.00040.
gnomAD v4.1: 163 of 1,612,966 alleles (0.01%); highest among the groups gnomAD compares: African/African-American, 0.053%; no homozygotes.

Submissions (8):

Labcorp Genetics (formerly Invitae), Labcorp
Classification: Likely benign for Adams-Oliver syndrome 5. Last evaluated: 2026-01-31. Review status: criteria provided, single submitter. Criteria: Invitae Variant Classification Sherloc (09022015). Collection method: clinical testing. Allele origin: germline.

Blueprint Genetics
Classification: Likely benign. Last evaluated: 2024-08-20. Review status: criteria provided, single submitter. Criteria: ACMG Guidelines, 2015. Collection method: clinical testing. Allele origin: germline.

Genome-Nilou Lab
Classification: Likely benign for Adams-Oliver syndrome 5. Last evaluated: 2022-03-15. Review status: criteria provided, single submitter. Criteria: ACMG Guidelines, 2015. Collection method: clinical testing. Allele origin: germline. Affected: no.

Genome-Nilou Lab
Classification: Likely benign for Aortic valve disease 1. Last evaluated: 2022-03-15. Review status: criteria provided, single submitter. Criteria: ACMG Guidelines, 2015. Collection method: clinical testing. Allele origin: germline. Affected: no.

CHEO Genetics Diagnostic Laboratory, Children's Hospital of Eastern Ontario
Classification: Likely benign for Familial thoracic aortic aneurysm and aortic dissection. Last evaluated: 2020-03-09. Review status: criteria provided, single submitter. Criteria: ACMG Guidelines, 2015. Collection method: clinical testing. Allele origin: germline.

GeneDx
Classification: Likely benign. Last evaluated: 2017-03-22. Review status: criteria provided, single submitter. Criteria: GeneDx Variant Classification (06012015). Collection method: clinical testing. Allele origin: germline. Affected: yes.
Comment: This variant is considered likely benign or benign based on one or more of the following criteria: it is a conservative change, it occurs at a poorly conserved position in the protein, it is predicted to be benign by multiple in silico algorithms, and/or has population frequency not consistent with disease.

Ambry Genetics
Classification: Uncertain significance for Familial thoracic aortic aneurysm and aortic dissection. Last evaluated: 2015-08-21. Review status: criteria provided, single submitter. Criteria: Ambry Variant Classification Scheme 2023. Collection method: clinical testing. Allele origin: germline.
Comment: The c.6082+10C>T intronic alteration consists of a C to T substitution 0 nucleotides after coding exon 32 in the NOTCH1 gene. Based on insufficient or conflicting evidence, the clinical significance of this alteration remains unclear.

PreventionGenetics, part of Exact Sciences
Classification: Likely benign for NOTCH1-related condition. Last evaluated: 2023-12-22. Review status: no assertion criteria provided. Collection method: clinical testing. Allele origin: germline. Not counted in ClinVar's aggregate classification.
Comment: This variant is classified as likely benign based on ACMG/AMP sequence variant interpretation guidelines (Richards et al. 2015 PMID: 25741868, with internal and published modifications).